The following is an entry in ClinVar:

NM_001114753.3(ENG):c.770_771del (p.Pro257fs)

Gene: ENG (endoglin; minus strand). Cytogenetic location: 9q34.11.
Variant type: Deletion.
Coding change: c.770_771del on transcript NM_001114753.3 (MANE Select); coding-DNA positions 770 to 771, 2 bases deleted (CC; older notation c.770_771delCC).
Protein change: p.Pro257fs; shifts the reading frame from proline 257.
Molecular consequence: frameshift variant.
Genome position (GRCh38, 1-based): chr9:127,825,276-127,825,277, GG deleted on the plus strand (CC on the coding strand, the reverse complement: ENG is on the minus strand); deleting any 2 consecutive bases within chr9:127,825,276-127,825,281 gives the same sequence; the c. name uses the placement nearest the transcript's 3' end. VCF-style (leftmost placement, unchanged base first): chr9-127825275-AGG-A. GRCh37 (hg19) VCF-style: chr9-130587554-AGG-A.
Other names: c.766_767delCC, p.Pro257Leufs (NM_000118.4, NM_001406715.1); c.224_225del, p.Pro75fs (NM_001278138.2); short protein forms P257fs, P75fs.
Identifiers: ClinVar variation 1453741 (VCV001453741.8), dbSNP rs1588581902, ClinGen allele CA2573143977.

ClinVar aggregate classification (germline): Pathogenic (1 of 4 stars; one submission).

Conditions:
Hereditary hemorrhagic telangiectasia (HHT). Also called: ORW DISEASE; Osler Weber Rendu syndrome; OSLER-RENDU-WEBER DISEASE; Osler hemorrhagic telangiectasia syndrome. Identifiers: Orphanet 774, MedGen C0039445, MONDO:0019180. Disease mechanism: loss of function.

Submission:

Labcorp Genetics (formerly Invitae), Labcorp
Classification: Pathogenic for Hereditary hemorrhagic telangiectasia. Last evaluated: 2021-08-07. Review status: criteria provided, single submitter. Criteria: Invitae Variant Classification Sherloc (09022015). Collection method: clinical testing. Allele origin: germline.
Comment: For these reasons, this variant has been classified as Pathogenic. This sequence change creates a premature translational stop signal (p.Pro257Leufs*76) in the ENG gene. It is expected to result in an absent or disrupted protein product. Loss-of-function variants in ENG are known to be pathogenic (PMID: 15879500). This variant is not present in population databases (ExAC no frequency). This variant has not been reported in the literature in individuals with ENG-related conditions.

Literature cited by the submitters: PubMed 15879500.